The following is an entry in ClinVar:

NM_001256789.3(CACNA1F):c.2309A>G (p.Asp770Gly)

Gene: CACNA1F (calcium voltage-gated channel subunit alpha1 F; minus strand). Cytogenetic location: Xp11.23.
Variant type: single nucleotide variant.
Coding change: c.2309A>G on transcript NM_001256789.3 (MANE Select); coding-DNA position 2309, A replaced by G.
Protein change: p.Asp770Gly; replaces aspartic acid 770 with glycine.
Molecular consequence: missense variant.
Genome position (GRCh38, 1-based): chrX:49,221,060, T>C on the plus strand (A>G on the coding strand, the complement: CACNA1F is on the minus strand). VCF-style: chrX-49221060-T-C. GRCh37 (hg19) VCF-style: chrX-49077519-T-C.
Other names: c.2147A>G, p.Asp716Gly (NM_001256790.3); c.2342A>G, p.Asp781Gly (NM_005183.4); short protein forms D716G, D770G, D781G.
Identifiers: ClinVar variation 4823135 (VCV004823135.4).

ClinVar aggregate classification (germline): Uncertain significance (1 of 4 stars; one submission).

Submission:

CeGaT Center for Human Genetics Tuebingen
Classification: Uncertain significance. Last evaluated: 2026-01-01. Review status: criteria provided, single submitter. Criteria: CeGaT Center For Human Genetics Tuebingen Variant Classification Criteria Version 2. Collection method: clinical testing. Allele origin: germline. Affected: yes. Observed: 1 variant allele.
Comment: CACNA1F: PM2